The following is an entry in ClinVar:

ClinVar aggregate classification (germline): Uncertain significance (1 of 4 stars; one submission).

Submission:

Labcorp Genetics (formerly Invitae), Labcorp
Classification: Uncertain significance. Last evaluated: 2025-07-07. Review status: criteria provided, single submitter. Criteria: Invitae Variant Classification Sherloc (09022015). Collection method: clinical testing. Allele origin: germline.
Comment: This sequence change creates a premature translational stop signal (p.Phe117Serfs*40) in the ALPK1 gene. It is expected to result in an absent or disrupted protein product. However, the current clinical and genetic evidence is not sufficient to establish whether loss-of-function variants in ALPK1 cause disease. This variant is not present in population databases (gnomAD no frequency). This variant has not been reported in the literature in individuals affected with ALPK1-related conditions. ClinVar contains an entry for this variant (Variation ID: 2000811). In summary, the available evidence is currently insufficient to determine the role of this variant in disease. Therefore, it has been classified as a Variant of Uncertain Significance.

NM_025144.4(ALPK1):c.348del (p.Phe117fs)

Gene: ALPK1 (alpha kinase 1; plus strand). Cytogenetic location: 4q25.
Variant type: Deletion.
Coding change: c.348del on transcript NM_025144.4 (MANE Select); coding-DNA position 348, one base deleted (G; older notation c.348delG).
Protein change: p.Phe117fs; shifts the reading frame from phenylalanine 117.
Molecular consequence: frameshift variant.
Genome position (GRCh38, 1-based): chr4:112,411,898, G deleted; the last of 2 consecutive G bases (chr4:112,411,897-112,411,898); deleting either gives the same sequence. VCF-style (leftmost placement, unchanged base first): chr4-112411896-CG-C. GRCh37 (hg19) VCF-style: chr4-113333052-CG-C.
Other names: c.348del, p.Phe117fs (NM_001102406.2); c.114del, p.Phe39fs (NM_001253884.2); short protein forms F39fs, F117fs.
Identifiers: ClinVar variation 2000811 (VCV002000811.4), dbSNP rs2476468017, ClinGen allele CA2580071357.